The following is an entry in ClinVar:

NC_000009.11:g.(?_304561)_(304724_?)del

Gene: DOCK8 (dedicator of cytokinesis 8; plus strand). Cytogenetic location: 9p24.3.
Variant type: Deletion.
Identifiers: ClinVar variation 3245206 (VCV003245206.1).

ClinVar aggregate classification (germline): Pathogenic (1 of 4 stars; one submission).

Submission:

Labcorp Genetics (formerly Invitae), Labcorp
Classification: Pathogenic. Last evaluated: 2023-02-24. Review status: criteria provided, single submitter. Criteria: Invitae Variant Classification Sherloc (09022015). Collection method: clinical testing. Allele origin: unknown.
Comment: This variant is a gross deletion of the genomic region encompassing exon(s) 5 of the DOCK8 gene. This deletion is out-of-frame, and is expected to create a premature termination codon and result in an absent or disrupted protein product. Loss-of-function variants in DOCK8 are known to be pathogenic (PMID: 14722525, 19776401). This variant has not been reported in the literature in individuals affected with DOCK8-related conditions. For these reasons, this variant has been classified as Pathogenic.

Literature cited by the submitters: PubMed 14722525; PubMed 19776401.